The following is an entry in ClinVar:

NM_001844.5(COL2A1):c.4020G>C (p.Lys1340Asn)

Gene: COL2A1 (collagen type II alpha 1 chain; minus strand). Cytogenetic location: 12q13.11.
Variant type: single nucleotide variant.
Coding change: c.4020G>C on transcript NM_001844.5 (MANE Select); coding-DNA position 4020, G replaced by C.
Protein change: p.Lys1340Asn; replaces lysine 1340 with asparagine.
Molecular consequence: missense variant.
Genome position (GRCh38, 1-based): chr12:47,974,729, C>G on the plus strand (G>C on the coding strand, the complement: COL2A1 is on the minus strand). VCF-style: chr12-47974729-C-G. GRCh37 (hg19) VCF-style: chr12-48368512-C-G.
Other names: c.3813G>C, p.Lys1271Asn (NM_033150.3); short protein forms K1271N, K1340N.
Identifiers: ClinVar variation 1004555 (VCV001004555.10), dbSNP rs763777663, ClinGen allele CA6534580.

ClinVar aggregate classification (germline): Conflicting classifications of pathogenicity. Review status: criteria provided, conflicting classifications (1 of 4 stars). 4 submissions from 4 submitters: Uncertain significance (3); Likely benign (1). Last evaluated 2025-02-10.

Conditions:
COL2A1-related disorder. Also called: COL2A1-related condition; COL2A1-related disorders.
Inborn genetic diseases. Identifiers: MedGen C0950123, MeSH D030342.

Allele frequency attached by ClinVar (database versions not stated): gnomAD exomes below 0.00001 and 0.00001; ExAC 0.00001; gnomAD 0.00001.
gnomAD v4.1: 12 of 1,614,116 alleles (0.00074%); highest among the groups gnomAD compares: Admixed American, 0.0017%; no homozygotes.

Submissions (4):

PreventionGenetics, part of Exact Sciences
Classification: Uncertain significance for COL2A1-related condition. Last evaluated: 2025-02-10. Review status: criteria provided, single submitter. Criteria: ACMG Guidelines, 2015. Collection method: clinical testing. Allele origin: germline.
Comment: The COL2A1 c.4020G>C variant is predicted to result in the amino acid substitution p.Lys1340Asn. To our knowledge, this variant has not been reported in the literature. This variant is present in 0.0015% of alleles in individuals of European (Non-Finnish) descent in gnomAD. At this time, the clinical significance of this variant is uncertain due to the absence of conclusive functional and genetic evidence.

Labcorp Genetics (formerly Invitae), Labcorp
Classification: Likely benign. Last evaluated: 2024-10-23. Review status: criteria provided, single submitter. Criteria: Invitae Variant Classification Sherloc (09022015). Collection method: clinical testing. Allele origin: germline.

Ambry Genetics
Classification: Uncertain significance for Inborn genetic diseases. Last evaluated: 2024-08-06. Review status: criteria provided, single submitter. Criteria: Ambry Variant Classification Scheme 2023. Collection method: clinical testing. Allele origin: germline.

GeneDx
Classification: Uncertain significance. Last evaluated: 2019-06-27. Review status: criteria provided, single submitter. Criteria: GeneDx Variant Classification Process June 2021. Collection method: clinical testing. Allele origin: germline. Affected: yes.
Comment: Has not been previously published as pathogenic or benign to our knowledge; Not observed at a significant frequency in large population cohorts (Lek et al., 2016); In silico analysis, which includes protein predictors and evolutionary conservation, supports that this variant does not alter protein structure/function; Not located in the triple helical region, where the majority of pathogenic missense variants occur (Stenson et al., 2014)